The following is an entry in ClinVar:

ClinVar aggregate classification (germline): Uncertain significance (1 of 4 stars; one submission).

Conditions:
Hereditary cancer-predisposing syndrome. Also called: Tumor predisposition; Hereditary neoplastic syndrome; Neoplastic Syndromes, Hereditary; Hereditary Cancer Syndrome. Identifiers: Orphanet 140162, MedGen C0027672, MeSH D009386, MONDO:0015356.

Submission:

Ambry Genetics
Classification: Uncertain significance for Hereditary cancer-predisposing syndrome. Last evaluated: 2025-04-12. Review status: criteria provided, single submitter. Criteria: Ambry Variant Classification Scheme 2023. Collection method: clinical testing. Allele origin: germline.
Comment: The p.G1587A variant (also known as c.4760G>C), located in coding exon 22 of the DICER1 gene, results from a G to C substitution at nucleotide position 4760. The glycine at codon 1587 is replaced by alanine, an amino acid with similar properties. This amino acid position is conserved. In addition, this alteration is predicted to be deleterious by in silico analysis. Based on the available evidence, the clinical significance of this variant remains unclear.

NM_177438.3(DICER1):c.4760G>C (p.Gly1587Ala)

Gene: DICER1 (dicer 1, ribonuclease III; minus strand). Cytogenetic location: 14q32.13.
Variant type: single nucleotide variant.
Coding change: c.4760G>C on transcript NM_177438.3 (MANE Select); coding-DNA position 4760, G replaced by C.
Protein change: p.Gly1587Ala; replaces glycine 1587 with alanine.
Molecular consequence: missense variant. On other transcripts: non-coding transcript variant (6).
Genome position (GRCh38, 1-based): chr14:95,096,160, C>G on the plus strand (G>C on the coding strand, the complement: DICER1 is on the minus strand). VCF-style: chr14-95096160-C-G. GRCh37 (hg19) VCF-style: chr14-95562497-C-G.
Other names: c.4760G>C, p.Gly1587Ala (NM_001195573.1, NM_001271282.3, NM_001291628.2 and 12 more transcripts); c.4478G>C, p.Gly1493Ala (NM_001395686.1); c.4355G>C, p.Gly1452Ala (NM_001395687.1, NM_001395688.1, NM_001395689.1 and 2 more transcripts); c.4193G>C, p.Gly1398Ala (NM_001395691.1); c.3077G>C, p.Gly1026Ala (NM_001395697.1); short protein forms G1026A, G1493A, G1587A, G1398A, G1452A.
Identifiers: ClinVar variation 4011631 (VCV004011631.1).